The following is an entry in ClinVar:

NM_000069.3(CACNA1S):c.1669C>A (p.Arg557Ser)

Gene: CACNA1S (calcium voltage-gated channel subunit alpha1 S; minus strand). Cytogenetic location: 1q32.1.
Variant type: single nucleotide variant.
Coding change: c.1669C>A on transcript NM_000069.3 (MANE Select); coding-DNA position 1669, C replaced by A.
Protein change: p.Arg557Ser; replaces arginine 557 with serine.
Molecular consequence: missense variant.
Genome position (GRCh38, 1-based): chr1:201,077,078, G>T on the plus strand (C>A on the coding strand, the complement: CACNA1S is on the minus strand). VCF-style: chr1-201077078-G-T. GRCh37 (hg19) VCF-style: chr1-201046206-G-T.
Other names: short protein forms R557S.
Identifiers: ClinVar variation 3074388 (VCV003074388.1), dbSNP rs756612471, ClinGen allele CA344120384.

ClinVar aggregate classification (germline): Uncertain significance (1 of 4 stars; one submission).

Conditions:
Malignant hyperthermia, susceptibility to, 5 (MHS5). Also called: CACNA1S-Related Malignant Hyperthermia Susceptibility. Identifiers: Orphanet 423, MedGen C1866077, MONDO:0011163, OMIM 601887.

gnomAD v4.1: 5 of 1,614,190 alleles (0.00031%); highest among the groups gnomAD compares: South Asian, 0.0055%; no homozygotes.

Submission:

All of Us Research Program, National Institutes of Health
Classification: Uncertain significance for Malignant hyperthermia, susceptibility to, 5. Last evaluated: 2023-11-02. Review status: criteria provided, single submitter. Criteria: ACMG Guidelines, 2015. Collection method: clinical testing. Allele origin: germline. Inheritance: Autosomal dominant inheritance. Observed: 1 variant allele, 1 heterozygote.
Comment: This missense variant replaces arginine with serine at codon 557 of the CACNA1S protein. Computational prediction suggests that this variant may have deleterious impact on protein structure and function (internally defined REVEL score threshold >= 0.7, PMID: 27666373). To our knowledge, functional studies have not been reported for this variant. This variant has not been reported in individuals affected with CACNA1S-related disorders in the literature. This variant has been identified in 1/251436 chromosomes in the general population by the Genome Aggregation Database (gnomAD). The available evidence is insufficient to determine the role of this variant in disease conclusively. Therefore, this variant is classified as a Variant of Uncertain Significance.

This study involves interpretation of variants in research participants for the purpose of population health screening. Participant phenotype was not available at the time of variant classification. Additional details can be found in publication PMID: 35346344, PMCID: PMC8962531